The following is an entry in ClinVar:

ClinVar aggregate classification (germline): Likely pathogenic (1 of 4 stars; one submission).

Conditions:
Lissencephaly due to TUBA1A mutation (CDCBM16). Also called: CORTICAL DYSPLASIA, COMPLEX, WITH OTHER BRAIN MALFORMATIONS 16; Lissencephaly 3. Identifiers: Orphanet 171680, MedGen C4305153, MONDO:0012703, OMIM 611603.

Submission:

Bruce Lefroy Centre, Murdoch Childrens Research Institute
Classification: Likely pathogenic for Lissencephaly due to TUBA1A mutation. Last evaluated: 2020-01-01. Review status: criteria provided, single submitter. Criteria: ACMG Guidelines, 2015. Collection method: research. Allele origin: de novo. Inheritance: Autosomal dominant inheritance. Affected: yes.
Comment: PM2, PM5, PM6

NM_006009.4(TUBA1A):c.598T>C (p.Cys200Arg)

Gene: TUBA1A (tubulin alpha 1a; minus strand). Cytogenetic location: 12q13.12.
Variant type: single nucleotide variant.
Coding change: c.598T>C on transcript NM_006009.4 (MANE Select); coding-DNA position 598, T replaced by C.
Protein change: p.Cys200Arg; replaces cysteine 200 with arginine.
Molecular consequence: missense variant.
Genome position (GRCh38, 1-based): chr12:49,185,768, A>G on the plus strand (T>C on the coding strand, the complement: TUBA1A is on the minus strand). VCF-style: chr12-49185768-A-G. GRCh37 (hg19) VCF-style: chr12-49579551-A-G.
Other names: c.598T>C, p.Cys200Arg (NM_001270399.2); c.493T>C, p.Cys165Arg (NM_001270400.2); short protein forms C165R, C200R.
Identifiers: ClinVar variation 864864 (VCV000864864.2), dbSNP rs1942172759, ClinGen allele CA384641487.